The following is an entry in ClinVar:

ClinVar aggregate classification (germline): Uncertain significance. Review status: criteria provided, multiple submitters, no conflicts (2 of 4 stars). 2 submissions from 2 submitters: Uncertain significance (2). Last evaluated 2025-12-17.

Allele frequency attached by ClinVar (database versions not stated): gnomAD 0.00001 and 0.00002; gnomAD exomes 0.00003 and 0.00002; TOPMed 0.00002.
gnomAD v4.1: 32 of 1,497,430 alleles (0.0021%); highest among the groups gnomAD compares: Middle Eastern, 0.23%; 1 homozygote.

Submissions (2):

Dasa
Classification: Uncertain significance. Last evaluated: 2025-12-17. Review status: criteria provided, single submitter. Criteria: DASA Assertion Criteria. Collection method: clinical testing. Allele origin: germline.
Comment: NM_182972.3(IRF2BP2):c.754C>T (p.Arg252Cys) is a missense variant that results in the substitution of arginine with cysteine. The variant is present at low frequency in population datasets. Based on the available data, this variant is classified as variant of uncertain significance.

Labcorp Genetics (formerly Invitae), Labcorp
Classification: Uncertain significance. Last evaluated: 2023-05-20. Review status: criteria provided, single submitter. Criteria: Invitae Variant Classification Sherloc (09022015). Collection method: clinical testing. Allele origin: germline.
Comment: In summary, the available evidence is currently insufficient to determine the role of this variant in disease. Therefore, it has been classified as a Variant of Uncertain Significance. An algorithm developed to predict the effect of missense changes on protein structure and function (PolyPhen-2) suggests that this variant is likely to be disruptive. ClinVar contains an entry for this variant (Variation ID: 1444999). This variant has not been reported in the literature in individuals affected with IRF2BP2-related conditions. The frequency data for this variant in the population databases is considered unreliable, as metrics indicate poor data quality at this position in the gnomAD database. This sequence change replaces arginine, which is basic and polar, with cysteine, which is neutral and slightly polar, at codon 252 of the IRF2BP2 protein (p.Arg252Cys).

NM_182972.3(IRF2BP2):c.754C>T (p.Arg252Cys)

Gene: IRF2BP2 (interferon regulatory factor 2 binding protein 2; minus strand). Cytogenetic location: 1q42.3.
Variant type: single nucleotide variant.
Coding change: c.754C>T on transcript NM_182972.3 (MANE Select); coding-DNA position 754, C replaced by T.
Protein change: p.Arg252Cys; replaces arginine 252 with cysteine.
Molecular consequence: missense variant.
Genome position (GRCh38, 1-based): chr1:234,608,741, G>A on the plus strand (C>T on the coding strand, the complement: IRF2BP2 is on the minus strand). VCF-style: chr1-234608741-G-A. GRCh37 (hg19) VCF-style: chr1-234744487-G-A.
Other names: c.754C>T, p.Arg252Cys (NM_001077397.1); short protein forms R252C.
Identifiers: ClinVar variation 1444999 (VCV001444999.7), dbSNP rs1459243343, ClinGen allele CA345308623.